The following is an entry in ClinVar:

NM_000245.4(MET):c.2549T>C (p.Ile850Thr)

Gene: MET (MET proto-oncogene, receptor tyrosine kinase; plus strand). Cytogenetic location: 7q31.2.
Variant type: single nucleotide variant.
Coding change: c.2549T>C on transcript NM_000245.4 (MANE Select); coding-DNA position 2549, T replaced by C.
Protein change: p.Ile850Thr; replaces isoleucine 850 with threonine.
Molecular consequence: missense variant.
Genome position (GRCh38, 1-based): chr7:116,763,234, T>C. VCF-style: chr7-116763234-T-C. GRCh37 (hg19) VCF-style: chr7-116403288-T-C.
Other names: c.2603T>C, p.Ile868Thr (NM_001127500.3); c.2549T>C, p.Ile850Thr (NM_001324401.3); c.1259T>C, p.Ile420Thr (NM_001324402.2); short protein forms I868T, I420T, I850T.
Identifiers: ClinVar variation 3395158 (VCV003395158.1).

ClinVar aggregate classification (germline): Uncertain significance (1 of 4 stars; one submission).

Conditions:
Hereditary cancer-predisposing syndrome. Also called: Hereditary Cancer Syndrome; Tumor predisposition; Hereditary neoplastic syndrome; Neoplastic Syndromes, Hereditary. Identifiers: Orphanet 140162, MedGen C0027672, MeSH D009386, MONDO:0015356.

Submission:

Ambry Genetics
Classification: Uncertain significance for Hereditary cancer-predisposing syndrome. Last evaluated: 2024-09-23. Review status: criteria provided, single submitter. Criteria: Ambry Variant Classification Scheme 2023. Collection method: clinical testing. Allele origin: germline.
Comment: The p.I868T variant (also known as c.2603T>C), located in coding exon 10 of the MET gene, results from a T to C substitution at nucleotide position 2603. The isoleucine at codon 868 is replaced by threonine, an amino acid with similar properties. This amino acid position is conserved. In addition, this alteration is predicted to be deleterious by in silico analysis. Based on the available evidence, the clinical significance of this variant remains unclear.